The following is an entry in ClinVar:

NM_000135.4(FANCA):c.1567G>T (p.Val523Phe)

Gene: FANCA (FA complementation group A; minus strand). Cytogenetic location: 16q24.3.
Variant type: single nucleotide variant.
Coding change: c.1567G>T on transcript NM_000135.4 (MANE Select); coding-DNA position 1567, G replaced by T.
Protein change: p.Val523Phe; replaces valine 523 with phenylalanine.
Molecular consequence: missense variant.
Genome position (GRCh38, 1-based): chr16:89,782,918, C>A on the plus strand (G>T on the coding strand, the complement: FANCA is on the minus strand). VCF-style: chr16-89782918-C-A. GRCh37 (hg19) VCF-style: chr16-89849326-C-A.
Other names: c.1567G>T, p.Val523Phe (NM_001286167.3); short protein forms V523F.
Identifiers: ClinVar variation 2154281 (VCV002154281.5), dbSNP rs757157897, ClinGen allele CA8252240.
Genomic context (GRCh38, chr16:89,782,918, plus strand): 5'-CCTCAGTAATGTCCCCAGCTGATGACAAATCCTCGTAGAGTCCCATGTTTTCTATAGAAA[C>A]CTTCAGGGAAGACACAGAATGAGAACAAGAAAACAAAGCAGTTTCTGCTGGGACAGGTGT-3'
Protein context (NP_000126.2, residues 513-533): LAKTRLADLK[Val523Phe]SIENMGLYED

ClinVar aggregate classification (germline): Uncertain significance. Review status: criteria provided, multiple submitters, no conflicts (2 of 4 stars). 3 submissions from 3 submitters: Uncertain significance (3). Last evaluated 2024-12-21.

Conditions:
Inborn genetic diseases. Identifiers: MedGen C0950123, MeSH D030342.
Fanconi anemia complementation group A (FANCA). Also called: Fanconi anemia, group A; FANCA-Related Fanconi Anemia. Identifiers: Orphanet 84, MedGen C3469521, MONDO:0009215, OMIM 227650.
Fanconi anemia (FA). Also called: Fanconi's anemia. Identifiers: Orphanet 84, MedGen C0015625, MeSH D005199, MONDO:0019391.

Allele frequency attached by ClinVar (database versions not stated): ExAC 0.00002.
gnomAD v4.1: 19 of 1,614,032 alleles (0.0012%); highest among the groups gnomAD compares: South Asian, 0.02%; no homozygotes.

Submissions (3):

Ambry Genetics
Classification: Uncertain significance for Inborn genetic diseases. Last evaluated: 2024-12-21. Review status: criteria provided, single submitter. Criteria: Ambry Variant Classification Scheme 2023. Collection method: clinical testing. Allele origin: germline.
Comment: The p.V523F variant (also known as c.1567G>T) is located in coding exon 17 of the FANCA gene. The valine at codon 523 is replaced by phenylalanine, an amino acid with highly similar properties. This change occurs in the first base pair of coding exon 17. This amino acid position is conserved. In addition, the in silico prediction for this alteration is inconclusive. Based on the available evidence, the clinical significance of this variant remains unclear.

Revvity Omics, Revvity
Classification: Uncertain significance for Fanconi anemia complementation group A. Last evaluated: 2022-12-02. Review status: criteria provided, single submitter. Criteria: ACMG Guidelines, 2015. Collection method: clinical testing. Allele origin: germline.

Labcorp Genetics (formerly Invitae), Labcorp
Classification: Uncertain significance for Fanconi anemia. Last evaluated: 2022-08-31. Review status: criteria provided, single submitter. Criteria: Invitae Variant Classification Sherloc (09022015). Collection method: clinical testing. Allele origin: germline.
Comment: This sequence change replaces valine, which is neutral and non-polar, with phenylalanine, which is neutral and non-polar, at codon 523 of the FANCA protein (p.Val523Phe). This variant is present in population databases (rs757157897, gnomAD 0.01%). This variant has not been reported in the literature in individuals affected with FANCA-related conditions. Algorithms developed to predict the effect of missense changes on protein structure and function are either unavailable or do not agree on the potential impact of this missense change (SIFT: "Deleterious"; PolyPhen-2: "Benign"; Align-GVGD: "Class C0"). Algorithms developed to predict the effect of sequence changes on RNA splicing suggest that this variant may disrupt the consensus splice site. In summary, the available evidence is currently insufficient to determine the role of this variant in disease. Therefore, it has been classified as a Variant of Uncertain Significance.